The following is an entry in ClinVar:

NM_152419.3(HGSNAT):c.1621T>A (p.Ser541Thr)

Gene: HGSNAT (heparan-alpha-glucosaminide N-acetyltransferase; plus strand). Cytogenetic location: 8p11.21.
Variant type: single nucleotide variant.
Coding change: c.1621T>A on transcript NM_152419.3 (MANE Select); coding-DNA position 1621, T replaced by A.
Protein change: p.Ser541Thr; replaces serine 541 with threonine.
Molecular consequence: missense variant.
Genome position (GRCh38, 1-based): chr8:43,197,847, T>A. VCF-style: chr8-43197847-T-A. GRCh37 (hg19) VCF-style: chr8-43052990-T-A.
Other names: c.1708T>A, p.Ser570Thr (NM_001363227.2); c.1429T>A, p.Ser477Thr (NM_001363228.2); c.757T>A, p.Ser253Thr (NM_001363229.2); short protein forms S253T, S541T, S477T, S570T.
Identifiers: ClinVar variation 1517240 (VCV001517240.6), dbSNP rs2130821593, ClinGen allele CA371120617.

ClinVar aggregate classification (germline): Likely pathogenic (1 of 4 stars; one submission).

Conditions:
Mucopolysaccharidosis, MPS-III-C (MPS3C). Also called: SANFILIPPO SYNDROME C; MPS III C; MPS IIIC (Sanfilippo Syndrome Type C); MUCOPOLYSACCHARIDOSIS, TYPE IIIC; Mucopolysaccharidosis type IIIC (Sanfilippo C); mucopolysaccharidosis type 3C. Identifiers: Orphanet 581, Orphanet 79271, MedGen C0086649, MONDO:0009657, OMIM 252930.
Retinitis pigmentosa 73 (RP73). Identifiers: Orphanet 791, MedGen C4225287, MONDO:0014687, OMIM 616544.

Allele frequency attached by ClinVar (database versions not stated): gnomAD exomes below 0.00001.
gnomAD v4.1: 1 of 1,613,872 alleles (0.000062%); highest among the groups gnomAD compares: Middle Eastern, 0.016%; no homozygotes.

Submission:

Labcorp Genetics (formerly Invitae), Labcorp
Classification: Likely pathogenic for Retinitis pigmentosa 73; Mucopolysaccharidosis, MPS-III-C. Last evaluated: 2023-09-08. Review status: criteria provided, single submitter. Criteria: Invitae Variant Classification Sherloc (09022015). Collection method: clinical testing. Allele origin: germline.
Comment: This sequence change replaces serine, which is neutral and polar, with threonine, which is neutral and polar, at codon 541 of the HGSNAT protein (p.Ser541Thr). This variant is not present in population databases (gnomAD no frequency). This variant has not been reported in the literature in individuals affected with HGSNAT-related conditions. ClinVar contains an entry for this variant (Variation ID: 1517240). Advanced modeling of protein sequence and biophysical properties (such as structural, functional, and spatial information, amino acid conservation, physicochemical variation, residue mobility, and thermodynamic stability) has been performed at Invitae for this missense variant, however the output from this modeling did not meet the statistical confidence thresholds required to predict the impact of this variant on HGSNAT protein function. This variant disrupts the p.Ser541 amino acid residue in HGSNAT. Other variant(s) that disrupt this residue have been determined to be pathogenic (PMID: 17033958, 19823584, 20583299). This suggests that this residue is clinically significant, and that variants that disrupt this residue are likely to be disease-causing. In summary, the currently available evidence indicates that the variant is pathogenic, but additional data are needed to prove that conclusively. Therefore, this variant has been classified as Likely Pathogenic.

Literature cited by the submitters: PubMed 17033958; PubMed 19823584; PubMed 20583299.